The following is an entry in ClinVar:

ClinVar aggregate classification (germline): Pathogenic. Review status: criteria provided, multiple submitters, no conflicts (2 of 4 stars). 2 submissions from 2 submitters: Pathogenic (2). Last evaluated 2021-10-28.

Conditions:
Cardiovascular phenotype. Identifiers: MedGen CN230736.
Hereditary cancer-predisposing syndrome. Also called: Hereditary Cancer Syndrome; Hereditary neoplastic syndrome; Tumor predisposition; Neoplastic Syndromes, Hereditary. Identifiers: Orphanet 140162, MedGen C0027672, MeSH D009386, MONDO:0015356.
Neurofibromatosis, type 1 (NF1). Also called: Neurofibromatosis, type I; VON RECKLINGHAUSEN DISEASE; NEUROFIBROMATOSIS, TYPE I, SOMATIC; Peripheral type neurofibromatosis. Identifiers: Orphanet 636, MedGen C0027831, MONDO:0018975, OMIM 162200. Disease mechanism: loss of function.

Submissions (2):

Labcorp Genetics (formerly Invitae), Labcorp
Classification: Pathogenic for Neurofibromatosis, type 1. Last evaluated: 2021-10-28. Review status: criteria provided, single submitter. Criteria: Invitae Variant Classification Sherloc (09022015). Collection method: clinical testing. Allele origin: germline.
Comment: For these reasons, this variant has been classified as Pathogenic. This variant has not been reported in the literature in individuals affected with NF1-related conditions. This variant is not present in population databases (gnomAD no frequency). This sequence change creates a premature translational stop signal (p.Glu1811Aspfs*31) in the NF1 gene. It is expected to result in an absent or disrupted protein product. Loss-of-function variants in NF1 are known to be pathogenic (PMID: 10712197, 23913538).

Ambry Genetics
Classification: Pathogenic for Cardiovascular phenotype; Hereditary cancer-predisposing syndrome. Last evaluated: 2020-10-06. Review status: criteria provided, single submitter. Criteria: Ambry Variant Classification Scheme 2023. Collection method: clinical testing. Allele origin: germline.
Comment: The c.5433delA pathogenic mutation, located in coding exon 37 of the NF1 gene, results from a deletion of one nucleotide at nucleotide position 5433, causing a translational frameshift with a predicted alternate stop codon (p.E1811Dfs*31). This alteration is expected to result in loss of function by premature protein truncation or nonsense-mediated mRNA decay. As such, this alteration is interpreted as a disease-causing mutation.

Literature cited by the submitters: PubMed 10712197 (cited by Labcorp Genetics (formerly Invitae), Labcorp); PubMed 23913538 (cited by Labcorp Genetics (formerly Invitae), Labcorp).

NM_001042492.3(NF1):c.5496del (p.Glu1832fs)

Gene: NF1 (neurofibromin 1; plus strand). Cytogenetic location: 17q11.2.
Variant type: Deletion.
Coding change: c.5496del on transcript NM_001042492.3 (MANE Select); coding-DNA position 5496, one base deleted (A; older notation c.5496delA).
Protein change: p.Glu1832fs; shifts the reading frame from glutamic acid 1832.
Molecular consequence: frameshift variant.
Genome position (GRCh38, 1-based): chr17:31,327,726, A deleted; the last of 2 consecutive A bases (chr17:31,327,725-31,327,726); deleting either gives the same sequence. VCF-style (leftmost placement, unchanged base first): chr17-31327724-GA-G. GRCh37 (hg19) VCF-style: chr17-29654742-GA-G.
Other names: c.5433delA, p.Glu1811Aspfs (NM_000267.4); c.5433delA (NM_000267.3); short protein forms E1832fs, E1811fs.
Identifiers: ClinVar variation 1456742 (VCV001456742.8), dbSNP rs2151541558, ClinGen allele CA2573153407.